The following is an entry in ClinVar:

NM_001127671.2(LIFR):c.*2570G>C

Gene: LIFR (LIF receptor subunit alpha; minus strand). Cytogenetic location: 5p13.1.
Variant type: single nucleotide variant.
Coding change: c.*2570G>C on transcript NM_001127671.2 (MANE Select); 2570 bases downstream of the stop codon, G replaced by C.
Molecular consequence: 3 prime UTR variant.
Genome position (GRCh38, 1-based): chr5:38,479,025, C>G on the plus strand (G>C on the coding strand, the complement: LIFR is on the minus strand). VCF-style: chr5-38479025-C-G. GRCh37 (hg19) VCF-style: chr5-38479127-C-G.
Other names: c.*2570G>C (NM_001364297.2, NM_001364298.2, NM_002310.6).
Identifiers: ClinVar variation 903929 (VCV000903929.4), dbSNP rs113730751, ClinGen allele CA117132202.

ClinVar aggregate classification (germline): Likely benign (1 of 4 stars; one submission).

Conditions:
Stuve-Wiedemann syndrome (STWS). Also called: Stüve-Wiedemann syndrome. Identifiers: Orphanet 3206, MedGen C0796176, MONDO:0031280.

Allele frequency attached by ClinVar (database versions not stated): gnomAD exomes 0.00044; 1000 Genomes Project 0.00280; gnomAD 0.00280 and 0.00296; 1000 Genomes Project 30x 0.00281.
gnomAD v4.1: 462 of 231,862 alleles (0.2%); highest among the groups gnomAD compares: African/African-American, 0.94%; 2 homozygotes.

Submission:

Illumina Laboratory Services, Illumina
Classification: Likely benign for Stüve-Wiedemann syndrome 1. Last evaluated: 2018-01-13. Review status: criteria provided, single submitter. Criteria: ICSL Variant Classification Criteria 13 December 2019. Collection method: clinical testing. Allele origin: germline.
Comment: This variant was observed in the ICSL laboratory as part of a predisposition screen in an ostensibly healthy population. It had not been previously curated by ICSL or reported in the Human Gene Mutation Database (HGMD: prior to June 1st, 2018), and was therefore a candidate for classification through an automated scoring system. Utilizing variant allele frequency, disease prevalence and penetrance estimates, and inheritance mode, an automated score was calculated to assess if this variant is too frequent to cause the disease. Based on the score and internal cut-off values, a variant classified as likely benign is not then subjected to further curation. The score for this variant resulted in a classification of likely benign for this disease.